The following is an entry in ClinVar:

ClinVar aggregate classification (germline): Likely pathogenic (1 of 4 stars; one submission).

Conditions:
Dilated cardiomyopathy 1G (CMD1G). Identifiers: Orphanet 154, MedGen C1858763, MONDO:0011400, OMIM 604145.
Autosomal recessive limb-girdle muscular dystrophy type 2J (LGMDR10). Also called: Limb-girdle muscular dystrophy, type 2J; MUSCULAR DYSTROPHY, LIMB-GIRDLE, AUTOSOMAL RECESSIVE 10. Identifiers: Orphanet 140922, MedGen C1837342, MONDO:0012127, OMIM 608807.

Submission:

Labcorp Genetics (formerly Invitae), Labcorp
Classification: Likely pathogenic for Dilated cardiomyopathy 1G; Autosomal recessive limb-girdle muscular dystrophy type 2J. Last evaluated: 2023-07-25. Review status: criteria provided, single submitter. Criteria: Invitae Variant Classification Sherloc (09022015). Collection method: clinical testing. Allele origin: germline.
Comment: In summary, the currently available evidence indicates that the variant is pathogenic, but additional data are needed to prove that conclusively. Therefore, this variant has been classified as Likely Pathogenic. This variant is located in the A band of TTN (PMID: 25589632). Truncating variants in this region are significantly overrepresented in patients affected with dilated cardiomyopathy (PMID: 25589632). Truncating variants in this region have also been reported in individuals affected with autosomal recessive centronuclear myopathy (PMID: 23975875). ClinVar contains an entry for this variant (Variation ID: 2104622). This premature translational stop signal has been observed in individual(s) with clinical features of dilated cardiomyopathy (Invitae). This variant is not present in population databases (gnomAD no frequency). This sequence change creates a premature translational stop signal (p.Trp26827Metfs*6) in the TTN gene. While this is not anticipated to result in nonsense mediated decay, it is expected to create a truncated TTN protein.

Literature cited by the submitters: PubMed 25589632; PubMed 23975875.

NM_001267550.2(TTN):c.80478dup (p.Trp26827fs)

Genes: TTN (titin; minus strand), TTN-AS1 (TTN antisense RNA 1; plus strand). Cytogenetic location: 2q31.2.
Variant type: Duplication.
Coding change: c.80478dup on transcript NM_001267550.2 (MANE Select); coding-DNA position 80478, one base duplicated (A; older notation c.80478dupA).
Protein change: p.Trp26827fs; shifts the reading frame from tryptophan 26827.
Molecular consequence: frameshift variant.
Genome position (GRCh38, 1-based): chr2:178,565,654, T duplicated on the plus strand (A on the coding strand, the reverse complement: TTN is on the minus strand); the first of 5 consecutive T bases (chr2:178,565,654-178,565,658); duplicating any one gives the same sequence. VCF-style (leftmost placement, unchanged base first): chr2-178565653-A-AT. GRCh37 (hg19) VCF-style: chr2-179430380-A-AT.
Other names: c.75555dup, p.Trp25186fs (NM_001256850.1); c.53283dup, p.Trp17762fs (NM_003319.4); c.72774dup, p.Trp24259fs (NM_133378.4); c.53658dup, p.Trp17887fs (NM_133432.3); c.53859dup, p.Trp17954fs (NM_133437.4); short protein forms W17954fs, W25186fs, W26827fs, W17887fs, W17762fs, W24259fs.
Identifiers: ClinVar variation 2104622 (VCV002104622.4), dbSNP rs2468254766, ClinGen allele CA2580064823.